The following is an entry in ClinVar:

NM_007294.4(BRCA1):c.5332+11G>T

Gene: BRCA1 (BRCA1 DNA repair associated; minus strand). Cytogenetic location: 17q21.31.
Variant type: single nucleotide variant.
Coding change: c.5332+11G>T on transcript NM_007294.4 (MANE Select); 11 bases into the intron after coding-DNA position 5332, G replaced by T.
Molecular consequence: intron variant.
Genome position (GRCh38, 1-based): chr17:43,051,052, C>A on the plus strand (G>T on the coding strand, the complement: BRCA1 is on the minus strand). VCF-style: chr17-43051052-C-A. GRCh37 (hg19) VCF-style: chr17-41203069-C-A.
Other names: c.1879+11G>T (NM_001408458.1, NM_001408461.1, NM_001408464.1 and 7 more transcripts); c.4441+11G>T (NM_001407967.1); c.4951+11G>T (NM_001407959.1); c.5065+11G>T (NM_001407931.1, NM_001407932.1, NM_001407928.1 and 4 more transcripts); c.5188+11G>T (NM_001407747.1, NM_001407745.1, NM_001407737.1 and 21 more transcripts); c.4948+11G>T (NM_001407962.1, NM_001407960.1); c.1519+11G>T (NM_001408512.1); c.1642+11G>T (NM_001408510.1); and 74 more.
Identifiers: ClinVar variation 868316 (VCV000868316.3), dbSNP rs1258744250, ClinGen allele CA916081005.

Conditions:
Breast-ovarian cancer, familial, susceptibility to, 1 (BROVCA1). Also called: BRCA1 Hereditary Breast and Ovarian Cancer; OVARIAN CANCER, SUSCEPTIBILITY TO. Identifiers: Orphanet 145, MedGen C2676676, MONDO:0011450, OMIM 604370. Disease mechanism: loss of function.

Submission:

Brotman Baty Institute, University of Washington
No classification provided (evidence only). Condition: Breast-ovarian cancer, familial 1. Review status: no classification provided. Collection method: in vitro. Allele origin: not applicable. Functional consequence: functionally_normal.
ClinVar note: "not provided" was previously submitted as the classification for the variant. However, the classification appeared to be based only on an observation of functional data so it was converted to no classification on 2025-07-30.